The following is an entry in ClinVar:

NM_001447.3(FAT2):c.4247A>G (p.Tyr1416Cys)

Genes: FAT2 (FAT atypical cadherin 2; minus strand), SLC36A1 (solute carrier family 36 member 1; plus strand). Cytogenetic location: 5q33.1.
Variant type: single nucleotide variant.
Coding change: c.4247A>G on transcript NM_001447.3 (MANE Select); coding-DNA position 4247, A replaced by G.
Protein change: p.Tyr1416Cys; replaces tyrosine 1416 with cysteine.
Molecular consequence: missense variant.
Genome position (GRCh38, 1-based): chr5:151,551,516, T>C on the plus strand (A>G on the coding strand, the complement: FAT2 is on the minus strand). VCF-style: chr5-151551516-T-C. GRCh37 (hg19) VCF-style: chr5-150931077-T-C.
Other names: short protein forms Y1416C.
Identifiers: ClinVar variation 2636734 (VCV002636734.1), dbSNP rs1417513311, ClinGen allele CA361847042.

ClinVar aggregate classification (germline): Uncertain significance (1 of 4 stars; one submission).

Conditions:
FAT2-related disorder. Also called: FAT2-related condition.

Allele frequency attached by ClinVar (database versions not stated): TOPMed below 0.00001; gnomAD 0.00001.
gnomAD v4.1: 29 of 1,614,114 alleles (0.0018%); highest among the groups gnomAD compares: Non-Finnish European, 0.0022%; no homozygotes.

Submission:

PreventionGenetics, part of Exact Sciences
Classification: Uncertain significance for FAT2-related condition. Last evaluated: 2022-11-01. Review status: criteria provided, single submitter. Criteria: ACMG Guidelines, 2015. Collection method: clinical testing. Allele origin: germline.
Comment: The FAT2 c.4247A>G variant is predicted to result in the amino acid substitution p.Tyr1416Cys. To our knowledge, this variant has not been reported in the literature. This variant is reported in 0.0065% of alleles in individuals of European (Non-Finnish) descent in gnomAD. At this time, the clinical significance of this variant is uncertain due to the absence of conclusive functional and genetic evidence.